The following is an entry in ClinVar:

NM_000083.3(CLCN1):c.262G>A (p.Val88Met)

Gene: CLCN1 (chloride voltage-gated channel 1; plus strand). Cytogenetic location: 7q34.
Variant type: single nucleotide variant.
Coding change: c.262G>A on transcript NM_000083.3 (MANE Select); coding-DNA position 262, G replaced by A.
Protein change: p.Val88Met; replaces valine 88 with methionine.
Molecular consequence: missense variant. On other transcripts: non-coding transcript variant (1).
Genome position (GRCh38, 1-based): chr7:143,319,836, G>A. VCF-style: chr7-143319836-G-A. GRCh37 (hg19) VCF-style: chr7-143016929-G-A.
Other names: short protein forms V88M.
Identifiers: ClinVar variation 966076 (VCV000966076.16), dbSNP rs147581794, ClinGen allele CA4536879.

ClinVar aggregate classification (germline): Conflicting classifications of pathogenicity. Review status: criteria provided, conflicting classifications (1 of 4 stars). 3 submissions from 3 submitters: Uncertain significance (2); Likely benign (1). Last evaluated 2026-01-12.

Conditions:
Congenital myotonia, autosomal dominant form (THD). Also called: THOMSEN DISEASE; Myotonia congenita autosomal dominant. Identifiers: Orphanet 614, MedGen C2936781, MONDO:0008055, OMIM 160800.
Congenital myotonia, autosomal recessive form. Also called: BECKER DISEASE; Becker Generalized Myotonia; myotonia congenita, autosomal recessive. Identifiers: Orphanet 614, MedGen C0751360, MONDO:0009715, OMIM 255700.

Allele frequency attached by ClinVar (database versions not stated): gnomAD 0.00009; gnomAD exomes 0.00010 and 0.00013; TOPMed 0.00015; 1000 Genomes Project 30x 0.00016; ExAC 0.00016; 1000 Genomes Project 0.00020.

Submissions (3):

Labcorp Genetics (formerly Invitae), Labcorp
Classification: Likely benign for Congenital myotonia, autosomal recessive form; Congenital myotonia, autosomal dominant form. Last evaluated: 2026-01-12. Review status: criteria provided, single submitter. Criteria: Invitae Variant Classification Sherloc (09022015). Collection method: clinical testing. Allele origin: germline.

GeneDx
Classification: Uncertain significance. Last evaluated: 2025-06-11. Review status: criteria provided, single submitter. Criteria: GeneDx Variant Classification Process June 2021. Collection method: clinical testing. Allele origin: germline. Affected: yes.
Comment: In silico analysis indicates that this missense variant does not alter protein structure/function; Has not been previously published as pathogenic or benign to our knowledge

Athena Diagnostics
Classification: Uncertain significance. Last evaluated: 2024-12-16. Review status: criteria provided, single submitter. Criteria: Athena Diagnostics Criteria. Collection method: clinical testing. Allele origin: unknown.
Comment: Available data are insufficient to determine the clinical significance of the variant at this time. The frequency of this variant in the general population is uninformative in assessment of its pathogenicity. Polyphen and MutationTaster predict this amino acid change may be benign.